The following is an entry in ClinVar:

NM_001378477.3(NYX):c.*414C>T

Gene: NYX (nyctalopin; plus strand). Cytogenetic location: Xp11.4.
Variant type: single nucleotide variant.
Coding change: c.*414C>T on transcript NM_001378477.3 (MANE Select); 414 bases downstream of the stop codon, C replaced by T.
Molecular consequence: 3 prime UTR variant.
Genome position (GRCh38, 1-based): chrX:41,475,313, C>T. VCF-style: chrX-41475313-C-T. GRCh37 (hg19) VCF-style: chrX-41334566-C-T.
Other names: c.*414C>T (NM_022567.3).
Identifiers: ClinVar variation 368277 (VCV000368277.6), dbSNP rs58930096, ClinGen allele CA10646138.
Genomic context (GRCh38, chrX:41,475,313, plus strand): 5'-GACTTCCATTGGCTAAGTAGTTAAGAGCCGTCCCATTTCTCCTGGCGGGGTAACCCATTA[C>T]ACCGAAGTCCTTTGTTTTCTACCACAATCCTCCTCCTCCTCTCCAGGGGCCTGGAAACAC-3'

ClinVar aggregate classification (germline): Likely benign. Review status: criteria provided, multiple submitters, no conflicts (2 of 4 stars). 2 submissions from 2 submitters: Likely benign (2). Last evaluated 2017-04-28.

Conditions:
Congenital stationary night blindness 1A (CSNB1A). Also called: Night blindness, congenital stationary (complete), 1A, X-linked; CSNB, COMPLETE, X-LINKED; HEMERALOPIA-MYOPIA; MYOPIA-NIGHT BLINDNESS; NIGHT BLINDNESS, CONGENITAL STATIONARY, WITH MYOPIA; NYX-Related X-Linked Congenital Stationary Night Blindness. Identifiers: Orphanet 215, MedGen C3495587, MONDO:0010690, OMIM 310500.

Allele frequency attached by ClinVar (database versions not stated): 1000 Genomes Project 0.02384; 1000 Genomes Project 30x 0.02601; TOPMed 0.02665; gnomAD exomes 0.00295; gnomAD 0.02228 and 0.02379.
gnomAD v4.1: 2,635 of 164,112 alleles (1.6%); highest among the groups gnomAD compares: African/African-American, 7.5%; 77 homozygotes.

Submissions (2):

Illumina Laboratory Services, Illumina
Classification: Likely benign for Congenital stationary night blindness 1A. Last evaluated: 2017-04-28. Review status: criteria provided, single submitter. Criteria: ICSL Variant Classification Criteria 13 December 2019. Collection method: clinical testing. Allele origin: germline.
Comment: This variant was observed as part of a predisposition screen in an ostensibly healthy population. A literature search was performed for the gene, cDNA change, and amino acid change (where applicable). No publications were found based on this search. Allele frequency data from public databases allowed determination this variant is unlikely to cause disease. Therefore, this variant is classified as likely benign.

Breakthrough Genomics
Classification: Likely benign. Review status: criteria provided, single submitter. Criteria: ACMG Guidelines, 2015. Collection method: not provided. Allele origin: germline. Inheritance: X-linked inheritance. Affected: yes.